The following is an entry in ClinVar:

ClinVar aggregate classification (germline): Benign/Likely benign. Review status: criteria provided, multiple submitters, no conflicts (2 of 4 stars). 9 submissions from 9 submitters: Benign (2); Likely benign (5). 2 of the submissions do not count toward it. Last evaluated 2026-04-08.

Conditions:
Hereditary cancer-predisposing syndrome. Also called: Hereditary Cancer Syndrome; Neoplastic Syndromes, Hereditary; Hereditary neoplastic syndrome; Tumor predisposition. Identifiers: Orphanet 140162, MedGen C0027672, MeSH D009386, MONDO:0015356.
POLD1-related polyposis and colorectal cancer syndrome (CRCS10). Also called: COLORECTAL CANCER, SUSCEPTIBILITY TO, ON CHROMOSOME 19q; Colorectal cancer 10; Colorectal cancer, susceptibility to, 10. Identifiers: Orphanet 220460, MedGen C2675481, MONDO:0012953, OMIM 612591.
POLD1-related disorder. Also called: POLD1-related condition; POLD1-related disorders.

Allele frequency attached by ClinVar (database versions not stated): gnomAD 0.00004 and 0.00006; TOPMed 0.00005; ESP Exome Variant Server 0.00008; 1000 Genomes Project 0.00020; gnomAD exomes 0.00029; 1000 Genomes Project 30x 0.00031; ExAC 0.00104.
gnomAD v4.1: 251 of 1,535,160 alleles (0.016%); highest among the groups gnomAD compares: South Asian, 0.093%; 1 homozygote.

Submissions (9):

Women's Health and Genetics/Laboratory Corporation of America, LabCorp
Classification: Likely benign. Last evaluated: 2026-04-08. Review status: criteria provided, single submitter. Criteria: LabCorp Variant Classification Summary - May 2015. Collection method: clinical testing. Allele origin: germline.
Comment: Variant summary: POLD1 c.2718-5C>T alters a nucleotide located at a position not widely known to affect splicing. Consensus agreement among computation tools predict no significant impact on normal splicing. However, these predictions have yet to be confirmed by functional studies. The variant allele was found at a frequency of 0.00029 in 148468 control chromosomes. This frequency is not significantly higher than estimated for disease-causing variants in POLD1, allowing no conclusion about variant significance. To our knowledge, no occurrence of c.2718-5C>T in individuals affected with POLD1-related conditions and no experimental evidence demonstrating its impact on protein function have been reported. ClinVar contains an entry for this variant (Variation ID: 239309). Based on the evidence outlined above, the variant was classified as likely benign.

Labcorp Genetics (formerly Invitae), Labcorp
Classification: Benign for POLD1-related polyposis and colorectal cancer syndrome. Last evaluated: 2026-01-19. Review status: criteria provided, single submitter. Criteria: Invitae Variant Classification Sherloc (09022015). Collection method: clinical testing. Allele origin: germline.

Center for Genomic Medicine, Rigshospitalet, Copenhagen University Hospital
Classification: Likely benign. Last evaluated: 2025-03-04. Review status: criteria provided, single submitter. Criteria: ACMG Guidelines, 2015. Collection method: clinical testing. Allele origin: germline.

Blueprint Genetics
Classification: Likely benign. Last evaluated: 2024-08-09. Review status: criteria provided, single submitter. Criteria: ACMG Guidelines, 2015. Collection method: clinical testing. Allele origin: germline.

Ambry Genetics
Classification: Likely benign for Hereditary cancer-predisposing syndrome. Last evaluated: 2024-03-07. Review status: criteria provided, single submitter. Criteria: Ambry Variant Classification Scheme 2023. Collection method: clinical testing. Allele origin: germline.

Sema4
Classification: Benign for Hereditary cancer-predisposing syndrome. Last evaluated: 2021-03-15. Review status: criteria provided, single submitter. Criteria: Sema4 Curation Guidelines. Collection method: curation. Allele origin: germline.

GeneDx
Classification: Likely benign. Last evaluated: 2021-03-08. Review status: criteria provided, single submitter. Criteria: GeneDx Variant Classification Process June 2021. Collection method: clinical testing. Allele origin: germline. Affected: yes.

PreventionGenetics, part of Exact Sciences
Classification: Likely benign for POLD1-related condition. Last evaluated: 2019-11-27. Review status: no assertion criteria provided. Collection method: clinical testing. Allele origin: germline. Not counted in ClinVar's aggregate classification.
Comment: This variant is classified as likely benign based on ACMG/AMP sequence variant interpretation guidelines (Richards et al. 2015 PMID: 25741868, with internal and published modifications).

Counsyl
Classification: Likely benign for POLD1-related polyposis and colorectal cancer syndrome. Last evaluated: 2018-03-06. Review status: no assertion criteria provided. Collection method: clinical testing. Allele origin: unknown. Not counted in ClinVar's aggregate classification.

NM_002691.4(POLD1):c.2718-5C>T

Gene: POLD1 (DNA polymerase delta 1, catalytic subunit; plus strand). Cytogenetic location: 19q13.33.
Variant type: single nucleotide variant.
Coding change: c.2718-5C>T on transcript NM_002691.4 (MANE Select); 5 bases into the intron before coding-DNA position 2718, C replaced by T.
Molecular consequence: intron variant.
Genome position (GRCh38, 1-based): chr19:50,415,719, C>T. VCF-style: chr19-50415719-C-T. GRCh37 (hg19) VCF-style: chr19-50918976-C-T.
Other names: c.2796-5C>T (LRG_785t2, NM_001308632.1); c.2718-5C>T (LRG_785t1, NM_001256849.1).
Identifiers: ClinVar variation 239309 (VCV000239309.38), dbSNP rs368965066, ClinGen allele CA9596643.